The following is an entry in ClinVar:

ClinVar aggregate classification (germline): Pathogenic (1 of 4 stars; one submission).

Conditions:
Inborn genetic diseases. Identifiers: MedGen C0950123, MeSH D030342.

Submission:

Ambry Genetics
Classification: Pathogenic for Inborn genetic diseases. Last evaluated: 2025-10-14. Review status: criteria provided, single submitter. Criteria: Ambry Variant Classification Scheme 2023. Collection method: clinical testing. Allele origin: germline.
Comment: The c.2198dupT (p.S734Vfs*20) alteration, located in exon 17 (coding exon 17) of the SLC12A6 gene, consists of a duplication of T at position 2198, causing a translational frameshift with a predicted alternate stop codon after 20 amino acids. This alteration is expected to result in loss of function by premature protein truncation or nonsense-mediated mRNA decay. for autosomal recessive SLC12A6-related agenesis of the corpus callosum with peripheral neuropathy; however, its clinical significance for autosomal dominant SLC12A6-related peripheral motor neuropathy is uncertain. Although biallelic loss of function of SLC12A6 has been associated with autosomal recessive SLC12A6-related agenesis of the corpus callosum with peripheral neuropathy, haploinsufficiency of SLC12A6 has not been established as a mechanism of disease for autosomal dominant SLC12A6-related peripheral motor neuropathy. This variant was not reported in population-based cohorts in the Genome Aggregation Database (gnomAD). Based on the available evidence, this alteration is classified as pathogenic.

NM_001365088.1(SLC12A6):c.2198dup (p.Ser734fs)

Gene: SLC12A6 (solute carrier family 12 member 6; minus strand). Cytogenetic location: 15q14.
Variant type: Duplication.
Coding change: c.2198dup on transcript NM_001365088.1 (MANE Select); coding-DNA position 2198, one base duplicated (T; older notation c.2198dupT).
Protein change: p.Ser734fs; shifts the reading frame from serine 734.
Molecular consequence: frameshift variant.
Genome position (GRCh38, 1-based): chr15:34,241,302, A duplicated on the plus strand (T on the coding strand, the reverse complement: SLC12A6 is on the minus strand). VCF-style (leftmost placement, unchanged base first): chr15-34241301-C-CA. GRCh37 (hg19) VCF-style: chr15-34533502-C-CA.
Other names: c.2198dupT (NM_133647.1); c.2021dup, p.Ser675fs (NM_001042494.2, NM_001042495.2); c.2171dup, p.Ser725fs (NM_001042496.2); c.2153dup, p.Ser719fs (NM_001042497.2); c.2045dup, p.Ser683fs (NM_005135.2); c.2198dup, p.Ser734fs (NM_133647.2); short protein forms S719fs, S734fs, S675fs, S683fs, S725fs.
Identifiers: ClinVar variation 4631003 (VCV004631003.1).